The following is an entry in ClinVar:

ClinVar aggregate classification (germline): Pathogenic. Review status: criteria provided, multiple submitters, no conflicts (2 of 4 stars). 2 submissions from 2 submitters: Pathogenic (2). Last evaluated 2025-05-19.

Conditions:
Hereditary cancer-predisposing syndrome. Also called: Tumor predisposition; Hereditary Cancer Syndrome; Neoplastic Syndromes, Hereditary; Hereditary neoplastic syndrome. Identifiers: Orphanet 140162, MedGen C0027672, MeSH D009386, MONDO:0015356.
Familial adenomatous polyposis 1 (FAP1). Also called: FAMILIAL ADENOMATOUS POLYPOSIS 1, ATTENUATED; POLYPOSIS, ADENOMATOUS INTESTINAL. Identifiers: MedGen C2713442, MONDO:0021056, OMIM 175100. Disease mechanism: loss of function.

Submissions (2):

Ambry Genetics
Classification: Pathogenic for Hereditary cancer-predisposing syndrome. Last evaluated: 2025-05-19. Review status: criteria provided, single submitter. Criteria: Ambry Variant Classification Scheme 2023. Collection method: clinical testing. Allele origin: germline.
Comment: The c.2807delA pathogenic mutation, located in coding exon 15 of the APC gene, results from a deletion of one nucleotide at nucleotide position 2807, causing a translational frameshift with a predicted alternate stop codon (p.N936Ifs*19). This alteration occurs at the 3' terminus of theAPC gene, is not expected to trigger nonsense-mediated mRNA decay, and impacts the last 67% of the protein. However, premature stop codons are typically deleterious in nature and a significant portion of the protein is affected (Ambry internal data). This variant was reported in individual(s) with features consistent with APC-related familial adenomatous polyposis (Ambry internal data). This variant is considered to be rare based on population cohorts in the Genome Aggregation Database (gnomAD).Based on the supporting evidence, this variant is interpreted as a disease-causing mutation.

Myriad Genetics, Inc.
Classification: Pathogenic for Familial adenomatous polyposis 1. Last evaluated: 2023-05-05. Review status: criteria provided, single submitter. Criteria: Myriad Autosomal Dominant, Autosomal Recessive and X-Linked Classification Criteria (2023). Collection method: clinical testing. Allele origin: unknown.
Comment: This variant is considered pathogenic. This variant creates a frameshift predicted to result in premature protein truncation.

NM_000038.6(APC):c.2807del (p.Asn936fs)

Gene: APC (APC regulator of Wnt signaling pathway; plus strand). Cytogenetic location: 5q22.2.
Variant type: Deletion.
Coding change: c.2807del on transcript NM_000038.6 (MANE Select); coding-DNA position 2807, one base deleted (A; older notation c.2807delA).
Protein change: p.Asn936fs; shifts the reading frame from asparagine 936.
Molecular consequence: frameshift variant.
Genome position (GRCh38, 1-based): chr5:112,838,401, A deleted; the last of 2 consecutive A bases (chr5:112,838,400-112,838,401); deleting either gives the same sequence. VCF-style (leftmost placement, unchanged base first): chr5-112838399-CA-C. GRCh37 (hg19) VCF-style: chr5-112174096-CA-C.
Other names: c.2807del, p.Asn936fs (NM_001127510.3, NM_001354895.2); c.2753del, p.Asn918fs (NM_001127511.3); c.2861del, p.Asn954fs (NM_001354896.2); c.2837del, p.Asn946fs (NM_001354897.2); c.2732del, p.Asn911fs (NM_001354898.2); c.2723del, p.Asn908fs (NM_001354899.2); c.2684del, p.Asn895fs (NM_001354900.2); c.2630del, p.Asn877fs (NM_001354901.2); and 16 more; short protein forms N776fs, N877fs, N918fs, N954fs, N653fs, N810fs, N845fs, N908fs.
Identifiers: ClinVar variation 1796277 (VCV001796277.4), dbSNP rs2533451167, ClinGen allele CA2580072800.